The following is an entry in ClinVar:

ClinVar aggregate classification (germline): Uncertain significance (1 of 4 stars; one submission).

gnomAD v4.1: 1 of 152,252 alleles (0.00066%); highest among the groups gnomAD compares: Non-Finnish European, 0.0015%; no homozygotes.

Submission:

Greenwood Genetic Center Diagnostic Laboratories, Greenwood Genetic Center
Classification: Uncertain significance. Last evaluated: 2025-05-07. Review status: criteria provided, single submitter. Criteria: ACMG Guidelines, 2015. Collection method: clinical testing. Allele origin: germline. Affected: yes.
Comment: PM2, BP4

NM_016169.4(SUFU):c.318-6812C>T

Gene: SUFU (SUFU negative regulator of hedgehog signaling; plus strand). Cytogenetic location: 10q24.32.
Variant type: single nucleotide variant.
Coding change: c.318-6812C>T on transcript NM_016169.4 (MANE Select); 6812 bases into the intron before coding-DNA position 318, C replaced by T.
Molecular consequence: intron variant.
Genome position (GRCh38, 1-based): chr10:102,543,158, C>T. VCF-style: chr10-102543158-C-T. GRCh37 (hg19) VCF-style: chr10-104302915-C-T.
Other names: c.318-6812C>T (NM_001178133.2).
Identifiers: ClinVar variation 4538225 (VCV004538225.1).
Genomic context (GRCh38, chr10:102,543,158, plus strand): 5'-GGTATAAACCTATACGTAGTTTTATTAGGTACTGCCTAATTCTCCTCCATATAAGTTGTA[C>T]TAATTTATATCCATACCGGCAACATATGAGAGTGTCTCTTCCCCCACAACCTCAGCAACA-3'